The following is an entry in ClinVar:

ClinVar aggregate classification (germline): Uncertain significance. Review status: criteria provided, multiple submitters, no conflicts (2 of 4 stars). 2 submissions from 2 submitters: Uncertain significance (2). Last evaluated 2025-12-17.

Conditions:
Hereditary sensory and autonomic neuropathy type 6. Also called: HSAN VI; Neuropathy, hereditary sensory and autonomic, type VI. Identifiers: Orphanet 314381, MedGen C3539003, MONDO:0013839, OMIM 614653.
Epidermolysis bullosa simplex 3, localized or generalized intermediate, with BP230 deficiency (EBS3). Also called: Epidermolysis bullosa simplex due to BP230 deficiency; Epidermolysis bullosa simplex, autosomal recessive 2. Identifiers: Orphanet 412181, MedGen C3809470, MONDO:0014180, OMIM 615425.
Inborn genetic diseases. Identifiers: MedGen C0950123, MeSH D030342.

Allele frequency attached by ClinVar (database versions not stated): gnomAD 0.00001; gnomAD exomes 0.00001 and 0.00002; TOPMed 0.00001; ExAC 0.00002.
gnomAD v4.1: 11 of 1,612,704 alleles (0.00068%); highest among the groups gnomAD compares: South Asian, 0.0055%; no homozygotes.

Submissions (2):

Labcorp Genetics (formerly Invitae), Labcorp
Classification: Uncertain significance for Epidermolysis bullosa simplex 3, localized or generalized intermediate, with BP230 deficiency; Hereditary sensory and autonomic neuropathy type 6. Last evaluated: 2025-12-17. Review status: criteria provided, single submitter. Criteria: Invitae Variant Classification Sherloc (09022015). Collection method: clinical testing. Allele origin: germline.
Comment: This sequence change replaces arginine, which is basic and polar, with glutamine, which is neutral and polar, at codon 1047 of the DST protein (p.Arg1047Gln). This variant is present in population databases (rs754965874, gnomAD 0.003%). This variant has not been reported in the literature in individuals affected with DST-related conditions. ClinVar contains an entry for this variant (Variation ID: 943190). An algorithm developed to predict the effect of missense changes on protein structure and function (PolyPhen-2) suggests that this variant is likely to be disruptive. In summary, the available evidence is currently insufficient to determine the role of this variant in disease. Therefore, it has been classified as a Variant of Uncertain Significance.

Ambry Genetics
Classification: Uncertain significance for Inborn genetic diseases. Last evaluated: 2020-10-08. Review status: criteria provided, single submitter. Criteria: Ambry Variant Classification Scheme 2023. Collection method: clinical testing. Allele origin: germline.
Comment: The p.R1551Q variant (also known as c.4652G>A), located in coding exon 34 of the DST gene, results from a G to A substitution at nucleotide position 4652. The arginine at codon 1551 is replaced by glutamine, an amino acid with highly similar properties. This amino acid position is highly conserved in available vertebrate species. In addition, the in silico prediction for this alteration is inconclusive. Since supporting evidence is limited at this time, the clinical significance of this alteration remains unclear.

NM_001374736.1(DST):c.4751G>A (p.Arg1584Gln)

Gene: DST (dystonin; minus strand). Cytogenetic location: 6p12.1.
Variant type: single nucleotide variant.
Coding change: c.4751G>A on transcript NM_001374736.1 (MANE Select); coding-DNA position 4751, G replaced by A.
Protein change: p.Arg1584Gln; replaces arginine 1584 with glutamine.
Molecular consequence: missense variant.
Genome position (GRCh38, 1-based): chr6:56,625,236, C>T on the plus strand (G>A on the coding strand, the complement: DST is on the minus strand). VCF-style: chr6-56625236-C-T. GRCh37 (hg19) VCF-style: chr6-56490034-C-T.
Other names: c.4652G>A, p.Arg1551Gln (NM_001144769.5); c.4238G>A, p.Arg1413Gln (NM_001144770.2); c.4751G>A, p.Arg1584Gln (NM_001374722.1); c.4118G>A, p.Arg1373Gln (NM_001374729.1, NM_001374730.1, NM_001386100.1 and 1 more transcripts); c.4778G>A, p.Arg1593Gln (NM_001374734.1); c.3140G>A, p.Arg1047Gln (NM_001723.7, NM_015548.5); short protein forms R1584Q, R1593Q, R1047Q, R1373Q, R1413Q, R1551Q.
Identifiers: ClinVar variation 943190 (VCV000943190.10), dbSNP rs754965874, ClinGen allele CA3870809.
Genomic context (GRCh38, chr6:56,625,236, plus strand): 5'-GCTGAACTCTGCATTCTTCGGCGTTTCACTGGAGATTTTTGTTGTGAATCTACCATGGCC[C>T]GGTAGGTCATTGTTTGTAATTCATAGTCCTGTATAAAGGAGTCAATAAGATAAAATGAAT-3'
Protein context (NP_001361665.1, residues 1574-1594): KDYELQTMTY[Arg1584Gln]AMVDSQQKSP